The following is an entry in ClinVar:

ClinVar aggregate classification (germline): Uncertain significance (1 of 4 stars; one submission).

Conditions:
Autosomal dominant nonsyndromic hearing loss 1. Also called: KONIGSMARK SYNDROME; DEAFNESS, AUTOSOMAL DOMINANT 1, WITH OR WITHOUT THROMBOCYTOPENIA. Identifiers: Orphanet 90635, MedGen C1852282, MONDO:0007424, OMIM 124900.
Progressive microcephaly-seizures-cortical blindness-developmental delay syndrome. Also called: Seizures, cortical blindness, and microcephaly syndrome. Identifiers: Orphanet 477814, MedGen C5567650, MONDO:0014714, OMIM 616632.

Submission:

Labcorp Genetics (formerly Invitae), Labcorp
Classification: Uncertain significance for Progressive microcephaly-seizures-cortical blindness-developmental delay syndrome; Autosomal dominant nonsyndromic hearing loss 1. Last evaluated: 2022-02-03. Review status: criteria provided, single submitter. Criteria: Invitae Variant Classification Sherloc (09022015). Collection method: clinical testing. Allele origin: germline.
Comment: ClinVar contains an entry for this variant (Variation ID: 1045605). Experimental studies and prediction algorithms are not available or were not evaluated, and the functional significance of this variant is currently unknown. In summary, the available evidence is currently insufficient to determine the role of this variant in disease. Therefore, it has been classified as a Variant of Uncertain Significance. This variant is not present in population databases (gnomAD no frequency). This variant has not been reported in the literature in individuals affected with DIAPH1-related conditions. This variant, c.3217_3219dup, results in the insertion of 1 amino acid(s) of the DIAPH1 protein (p.Val1073dup), but otherwise preserves the integrity of the reading frame.

NM_005219.5(DIAPH1):c.3217_3219dup (p.Val1073dup)

Gene: DIAPH1 (diaphanous related formin 1; minus strand). Cytogenetic location: 5q31.3.
Variant type: Duplication.
Coding change: c.3217_3219dup on transcript NM_005219.5 (MANE Select); coding-DNA positions 3217 to 3219, 3 bases duplicated (GTT; older notation c.3217_3219dupGTT).
Protein change: p.Val1073dup; duplicates valine 1073.
Molecular consequence: inframe insertion.
Genome position (GRCh38, 1-based): chr5:141,527,627-141,527,629, AAC duplicated on the plus strand (GTT on the coding strand, the reverse complement: DIAPH1 is on the minus strand); duplicating any 3 consecutive bases within chr5:141,527,627-141,527,630 gives the same sequence; the c. name uses the placement nearest the transcript's 3' end. VCF-style (leftmost placement, unchanged base first): chr5-141527626-G-GAAC. GRCh37 (hg19) VCF-style: chr5-140907193-G-GAAC.
Other names: c.3190_3192dup, p.Val1064dup (NM_001079812.3); c.3217_3219dup, p.Val1073dup (NM_001314007.2).
Identifiers: ClinVar variation 1045605 (VCV001045605.12), dbSNP rs2099887571, ClinGen allele CA1587239587.
Genomic context (GRCh38, chr5:141,527,626, plus strand): 5'-AGGATATGGTCATTTTTTCAACAAACTTGTCTTTTTCATCTGTGGCAGCTGGGAAATTCT[G>GAAC]AACATCACGTTCCACATCAGAAATTTGTTTCTTCATCTGATCTAGGTTCTTTTGCAAGTT-3'